The following is an entry in ClinVar:

NM_001042517.2(DIAPH3):c.599G>A (p.Arg200Gln)

Genes: DIAPH3 (diaphanous related formin 3; minus strand), DIAPH3-AS1 (DIAPH3 antisense RNA 1; plus strand). Cytogenetic location: 13q21.2.
Variant type: single nucleotide variant.
Coding change: c.599G>A on transcript NM_001042517.2 (MANE Select); coding-DNA position 599, G replaced by A.
Protein change: p.Arg200Gln; replaces arginine 200 with glutamine.
Molecular consequence: missense variant. On other transcripts: non-coding transcript variant (4).
Genome position (GRCh38, 1-based): chr13:60,042,717, C>T on the plus strand (G>A on the coding strand, the complement: DIAPH3 is on the minus strand). VCF-style: chr13-60042717-C-T. GRCh37 (hg19) VCF-style: chr13-60616851-C-T.
Other names: c.566G>A, p.Arg189Gln (NM_001258366.2); c.461G>A, p.Arg154Gln (NM_001258367.2); c.389G>A, p.Arg130Gln (NM_001258368.2); c.599G>A, p.Arg200Gln (NM_001258369.2); short protein forms R130Q, R154Q, R189Q, R200Q.
Identifiers: ClinVar variation 3620058 (VCV003620058.2).
Genomic context (GRCh38, chr13:60,042,717, plus strand): 5'-TCTGCCCTGTTGGTGTTCAAATAGATGAATTACCTCACAGGATTGCTGGTCAAAGACACT[C>T]GGAGAGACTCCAGGCATGTGACAAGTCTCTCATCTGCAGACCCCATTTTCAGCTCATGAA-3'
Protein context (NP_001035982.1, residues 190-210): ERLVTCLESL[Arg200Gln]VSLTSNPVSW

ClinVar aggregate classification (germline): Uncertain significance (1 of 4 stars; one submission).

gnomAD v4.1: 15 of 1,613,550 alleles (0.00093%); highest among the groups gnomAD compares: Non-Finnish European, 0.0012%; no homozygotes.

Submission:

Labcorp Genetics (formerly Invitae), Labcorp
Classification: Uncertain significance. Last evaluated: 2025-01-22. Review status: criteria provided, single submitter. Criteria: Invitae Variant Classification Sherloc (09022015). Collection method: clinical testing. Allele origin: germline.
Comment: This sequence change replaces arginine, which is basic and polar, with glutamine, which is neutral and polar, at codon 200 of the DIAPH3 protein (p.Arg200Gln). This variant is present in population databases (no rsID available, gnomAD 0.0009%). This variant has not been reported in the literature in individuals affected with DIAPH3-related conditions. An algorithm developed to predict the effect of missense changes on protein structure and function (PolyPhen-2) suggests that this variant is likely to be disruptive. In summary, the available evidence is currently insufficient to determine the role of this variant in disease. Therefore, it has been classified as a Variant of Uncertain Significance.